The following is an entry in ClinVar:

NM_000478.6(ALPL):c.182-9C>T

Gene: ALPL (alkaline phosphatase, biomineralization associated; plus strand). Cytogenetic location: 1p36.12.
Variant type: single nucleotide variant.
Coding change: c.182-9C>T on transcript NM_000478.6 (MANE Select); 9 bases into the intron before coding-DNA position 182, C replaced by T.
Molecular consequence: intron variant.
Genome position (GRCh38, 1-based): chr1:21,561,088, C>T. VCF-style: chr1-21561088-C-T. GRCh37 (hg19) VCF-style: chr1-21887581-C-T.
Other names: c.182-9C>T (NM_001369804.2, NM_001369803.2, NM_001369805.2); c.17-9C>T (NM_001127501.4); c.66+343C>T (NM_001177520.3).
Identifiers: ClinVar variation 4768909 (VCV004768909.1).
Genomic context (GRCh38, chr1:21,561,088, plus strand): 5'-TGGGTACCCAAGCAGGCTGATTGGAGAGGCAGGAGCACGAGAGACTGAGGCCCCCACTCC[C>T]CACTGCAGGGATGGGTGTCTCCACAGTGACGGCTGCCCGCATCCTCAAGGGTCAGCTCCA-3'

ClinVar aggregate classification (germline): Uncertain significance (1 of 4 stars; one submission).

Submission:

Labcorp Genetics (formerly Invitae), Labcorp
Classification: Uncertain significance. Last evaluated: 2025-11-24. Review status: criteria provided, single submitter. Criteria: Invitae Variant Classification Sherloc (09022015). Collection method: clinical testing. Allele origin: germline.
Comment: This sequence change falls in intron 3 of the ALPL gene. It does not directly change the encoded amino acid sequence of the ALPL protein. This variant is not present in population databases (gnomAD no frequency). This variant has not been reported in the literature in individuals affected with ALPL-related conditions. Algorithms developed to predict the effect of sequence changes on RNA splicing suggest that this variant may create or strengthen a splice site. In summary, the available evidence is currently insufficient to determine the role of this variant in disease. Therefore, it has been classified as a Variant of Uncertain Significance.